The following is an entry in ClinVar:

NM_033419.5(PGAP3):c.754C>T (p.His252Tyr)

Gene: PGAP3 (post-GPI attachment to proteins phospholipase 3; minus strand). Cytogenetic location: 17q12.
Variant type: single nucleotide variant.
Coding change: c.754C>T on transcript NM_033419.5 (MANE Select); coding-DNA position 754, C replaced by T.
Protein change: p.His252Tyr; replaces histidine 252 with tyrosine.
Molecular consequence: missense variant. On other transcripts: intron variant (3).
Genome position (GRCh38, 1-based): chr17:39,673,196, G>A on the plus strand (C>T on the coding strand, the complement: PGAP3 is on the minus strand). VCF-style: chr17-39673196-G-A. GRCh37 (hg19) VCF-style: chr17-37829449-G-A.
Other names: c.601C>T, p.His201Tyr (NM_001291726.2); c.691C>T, p.His231Tyr (NM_001291728.2); c.433-330C>T (NM_001291733.2); c.495-330C>T (NM_001291732.2); c.558-330C>T (NM_001291730.2); short protein forms H231Y, H252Y, H201Y.
Identifiers: ClinVar variation 1031560 (VCV001031560.1), dbSNP rs1440802425, ClinGen allele CA399320269.

ClinVar aggregate classification (germline): Uncertain significance (1 of 4 stars; one submission).

Conditions:
Hyperphosphatasia with impaired intellectual development syndrome 4. Also called: Hyperphosphatasia with intellectual disability syndrome 4; GLYCOSYLPHOSPHATIDYLINOSITOL BIOSYNTHESIS DEFECT 10. Identifiers: Orphanet 247262, MedGen C3810354, MONDO:0014318, OMIM 615716.

Allele frequency attached by ClinVar (database versions not stated): gnomAD exomes below 0.00001; TOPMed below 0.00001.
gnomAD v4.1: 3 of 1,570,626 alleles (0.00019%); highest among the groups gnomAD compares: Non-Finnish European, 0.00026%; no homozygotes.

Submission:

Baylor Genetics
Classification: Uncertain significance for Hyperphosphatasia with impaired intellectual development syndrome 4. Last evaluated: 2018-01-26. Review status: criteria provided, single submitter. Criteria: ACMG Guidelines, 2015. Collection method: clinical testing. Allele origin: maternal. Affected: yes.
Comment: This variant was determined to be of uncertain significance according to ACMG Guidelines, 2015 [PMID:25741868].